The following is an entry in ClinVar:

ClinVar aggregate classification (germline): Likely benign. Review status: criteria provided, multiple submitters, no conflicts (2 of 4 stars). 3 submissions from 3 submitters: Likely benign (3). Last evaluated 2025-12-01.

Allele frequency attached by ClinVar (database versions not stated): ExAC 0.00002; gnomAD 0.00008; TOPMed 0.00014; gnomAD exomes 0.00016.
gnomAD v4.1: 239 of 1,611,332 alleles (0.015%); highest among the groups gnomAD compares: Non-Finnish European, 0.019%; no homozygotes.

Submissions (3):

Labcorp Genetics (formerly Invitae), Labcorp
Classification: Likely benign. Last evaluated: 2025-12-01. Review status: criteria provided, single submitter. Criteria: Invitae Variant Classification Sherloc (09022015). Collection method: clinical testing. Allele origin: germline.

Mayo Clinic Laboratories, Mayo Clinic
Classification: Likely benign. Last evaluated: 2025-07-15. Review status: criteria provided, single submitter. Criteria: ACMG Guidelines, 2015. Collection method: clinical testing. Allele origin: germline. Observed: 1 variant allele.
Comment: BP4, BP7

Blueprint Genetics
Classification: Likely benign. Last evaluated: 2024-07-30. Review status: criteria provided, single submitter. Criteria: ACMG Guidelines, 2015. Collection method: clinical testing. Allele origin: germline.

NM_001288705.3(CSF1R):c.890-4C>T

Gene: CSF1R (colony stimulating factor 1 receptor; minus strand). Cytogenetic location: 5q32.
Variant type: single nucleotide variant.
Coding change: c.890-4C>T on transcript NM_001288705.3 (MANE Select); 4 bases into the intron before coding-DNA position 890, C replaced by T.
Molecular consequence: intron variant.
Genome position (GRCh38, 1-based): chr5:150,073,497, G>A on the plus strand (C>T on the coding strand, the complement: CSF1R is on the minus strand). VCF-style: chr5-150073497-G-A. GRCh37 (hg19) VCF-style: chr5-149453060-G-A.
Other names: p.?; c.890-4C>T (NM_005211.3, NM_005211.4, NM_001375320.1 and 1 more transcripts); c.446-4C>T (NM_001375321.1).
Identifiers: ClinVar variation 2181120 (VCV002181120.6), dbSNP rs778797614, ClinGen allele CA3506994.
Genomic context (GRCh38, chr5:150,073,497, plus strand): 5'-CCACGGTCACCTCCTGGATGAGGTTCTGCTCAGAGCTCAAGTTCAAGTAGGCACTCTCTG[G>A]AAAGCAGAACACACAAGCATCTGGCATTAGTGGGAAGATGTCCTTGTTTATTTGTCCATT-3'